The following is an entry in ClinVar:

NM_004035.7(ACOX1):c.1474G>A (p.Ala492Thr)

Gene: ACOX1 (acyl-CoA oxidase 1; minus strand). Cytogenetic location: 17q25.1.
Variant type: single nucleotide variant.
Coding change: c.1474G>A on transcript NM_004035.7 (MANE Select); coding-DNA position 1474, G replaced by A.
Protein change: p.Ala492Thr; replaces alanine 492 with threonine.
Molecular consequence: missense variant.
Genome position (GRCh38, 1-based): chr17:75,949,722, C>T on the plus strand (G>A on the coding strand, the complement: ACOX1 is on the minus strand). VCF-style: chr17-75949722-C-T. GRCh37 (hg19) VCF-style: chr17-73945803-C-T.
Other names: c.1360G>A, p.Ala454Thr (NM_001185039.2); c.1474G>A, p.Ala492Thr (NM_007292.6); short protein forms A492T, A454T.
Identifiers: ClinVar variation 1353216 (VCV001353216.5), dbSNP rs2144237294, ClinGen allele CA401060774.

ClinVar aggregate classification (germline): Uncertain significance (1 of 4 stars; one submission).

Conditions:
Acyl-CoA oxidase deficiency. Also called: Peroxisomal acyl-CoA oxidase deficiency; STRAIGHT-CHAIN ACYL-CoA OXIDASE DEFICIENCY; Pseudoneonatal adrenoleukodystrophy. Identifiers: Orphanet 2971, MedGen C1849678, MONDO:0009919, OMIM 264470. Disease mechanism: loss of function.

gnomAD v4.1: 2 of 1,614,204 alleles (0.00012%); highest among the groups gnomAD compares: Non-Finnish European, 0.000085%; no homozygotes.

Submission:

Labcorp Genetics (formerly Invitae), Labcorp
Classification: Uncertain significance for Acyl-CoA oxidase deficiency. Last evaluated: 2022-08-09. Review status: criteria provided, single submitter. Criteria: Invitae Variant Classification Sherloc (09022015). Collection method: clinical testing. Allele origin: germline.
Comment: This sequence change replaces alanine, which is neutral and non-polar, with threonine, which is neutral and polar, at codon 492 of the ACOX1 protein (p.Ala492Thr). This variant is not present in population databases (gnomAD no frequency). This variant has not been reported in the literature in individuals affected with ACOX1-related conditions. ClinVar contains an entry for this variant (Variation ID: 1353216). Algorithms developed to predict the effect of missense changes on protein structure and function (SIFT, PolyPhen-2, Align-GVGD) all suggest that this variant is likely to be tolerated. In summary, the available evidence is currently insufficient to determine the role of this variant in disease. Therefore, it has been classified as a Variant of Uncertain Significance.